The following is an entry in ClinVar:

NM_005228.5(EGFR):c.1620C>A (p.Asn540Lys)

Gene: EGFR (epidermal growth factor receptor; plus strand). Cytogenetic location: 7p11.2.
Variant type: single nucleotide variant.
Coding change: c.1620C>A on transcript NM_005228.5 (MANE Select); coding-DNA position 1620, C replaced by A.
Protein change: p.Asn540Lys; replaces asparagine 540 with lysine.
Molecular consequence: missense variant.
Genome position (GRCh38, 1-based): chr7:55,161,620, C>A. VCF-style: chr7-55161620-C-A. GRCh37 (hg19) VCF-style: chr7-55229313-C-A.
Other names: c.1485C>A, p.Asn495Lys (NM_001346897.2, NM_001346899.2); c.1620C>A, p.Asn540Lys (NM_001346898.2, NM_201282.2, NM_201284.2); c.1461C>A, p.Asn487Lys (NM_001346900.2); c.819C>A, p.Asn273Lys (NM_001346941.2); c.1620C>A (NM_005228.3); short protein forms N273K, N487K, N540K, N495K.
Identifiers: ClinVar variation 1463003 (VCV001463003.9), dbSNP rs1340266257, ClinGen allele CA367580023.

ClinVar aggregate classification (germline): Conflicting classifications of pathogenicity. Review status: criteria provided, conflicting classifications (1 of 4 stars). 2 submissions from 2 submitters: Uncertain significance (1); Likely benign (1). Last evaluated 2025-12-05.

Conditions:
Hereditary cancer-predisposing syndrome. Also called: Tumor predisposition; Hereditary neoplastic syndrome; Hereditary Cancer Syndrome; Neoplastic Syndromes, Hereditary. Identifiers: Orphanet 140162, MedGen C0027672, MeSH D009386, MONDO:0015356.
EGFR-related lung cancer (EGFR). Identifiers: MedGen CN130014.

Allele frequency attached by ClinVar (database versions not stated): TOPMed below 0.00001; gnomAD 0.00001.
gnomAD v4.1: 1 of 1,614,150 alleles (0.000062%); highest among the groups gnomAD compares: African/African-American, 0.0013%; no homozygotes.

Submissions (2):

Ambry Genetics
Classification: Likely benign for Hereditary cancer-predisposing syndrome. Last evaluated: 2025-12-05. Review status: criteria provided, single submitter. Criteria: Ambry Variant Classification Scheme 2023. Collection method: clinical testing. Allele origin: germline.

Labcorp Genetics (formerly Invitae), Labcorp
Classification: Uncertain significance for EGFR-related lung cancer. Last evaluated: 2024-05-13. Review status: criteria provided, single submitter. Criteria: Invitae Variant Classification Sherloc (09022015). Collection method: clinical testing. Allele origin: germline.
Comment: This sequence change replaces asparagine, which is neutral and polar, with lysine, which is basic and polar, at codon 540 of the EGFR protein (p.Asn540Lys). This variant is not present in population databases (gnomAD no frequency). This variant has not been reported in the literature in individuals affected with EGFR-related conditions. ClinVar contains an entry for this variant (Variation ID: 1463003). Advanced modeling of protein sequence and biophysical properties (such as structural, functional, and spatial information, amino acid conservation, physicochemical variation, residue mobility, and thermodynamic stability) performed at Invitae indicates that this missense variant is not expected to disrupt EGFR protein function with a negative predictive value of 80%. In summary, the available evidence is currently insufficient to determine the role of this variant in disease. Therefore, it has been classified as a Variant of Uncertain Significance.